The following is an entry in ClinVar:

ClinVar aggregate classification (germline): Uncertain significance (1 of 4 stars; one submission).

Conditions:
Symmetrical dyschromatosis of extremities (DSH). Also called: DYSCHROMATOSIS SYMMETRICA HEREDITARIA 1; RETICULATE ACROPIGMENTATION OF DOHI; SYMMETRIC DYSCHROMATOSIS OF THE EXTREMITIES; Dyschromatosis symmetrica hereditaria. Identifiers: Orphanet 41, MedGen C0406775, MONDO:0007483, OMIM 127400.
Aicardi-Goutieres syndrome 6 (AGS6). Identifiers: Orphanet 51, MedGen C3539013, MONDO:0014007, OMIM 615010.

Allele frequency attached by ClinVar (database versions not stated): gnomAD exomes below 0.00001; TOPMed below 0.00001; ExAC 0.00001; gnomAD 0.00001.
gnomAD v4.1: 3 of 1,614,136 alleles (0.00019%); highest among the groups gnomAD compares: Non-Finnish European, 0.00025%; no homozygotes.

Submission:

Labcorp Genetics (formerly Invitae), Labcorp
Classification: Uncertain significance for Aicardi-Goutieres syndrome 6; Symmetrical dyschromatosis of extremities. Last evaluated: 2023-07-19. Review status: criteria provided, single submitter. Criteria: Invitae Variant Classification Sherloc (09022015). Collection method: clinical testing. Allele origin: germline.
Comment: In summary, the available evidence is currently insufficient to determine the role of this variant in disease. Therefore, it has been classified as a Variant of Uncertain Significance. Advanced modeling of protein sequence and biophysical properties (such as structural, functional, and spatial information, amino acid conservation, physicochemical variation, residue mobility, and thermodynamic stability) performed at Invitae indicates that this missense variant is not expected to disrupt ADAR protein function. This variant has not been reported in the literature in individuals affected with ADAR-related conditions. This variant is present in population databases (rs773065672, gnomAD 0.002%). This sequence change replaces lysine, which is basic and polar, with glutamic acid, which is acidic and polar, at codon 408 of the ADAR protein (p.Lys408Glu).

NM_001111.5(ADAR):c.1222A>G (p.Lys408Glu)

Gene: ADAR (adenosine deaminase RNA specific; minus strand). Cytogenetic location: 1q21.3.
Variant type: single nucleotide variant.
Coding change: c.1222A>G on transcript NM_001111.5 (MANE Select); coding-DNA position 1222, A replaced by G.
Protein change: p.Lys408Glu; replaces lysine 408 with glutamic acid.
Molecular consequence: missense variant.
Genome position (GRCh38, 1-based): chr1:154,601,420, T>C on the plus strand (A>G on the coding strand, the complement: ADAR is on the minus strand). VCF-style: chr1-154601420-T-C. GRCh37 (hg19) VCF-style: chr1-154573896-T-C.
Other names: c.337A>G, p.Lys113Glu (NM_001365048.1, NM_001365049.1, NM_001025107.3 and 3 more transcripts); c.1222A>G, p.Lys408Glu (NM_015840.4, NM_015841.4); c.1249A>G, p.Lys417Glu (NM_001365045.1); short protein forms K417E, K113E, K408E.
Identifiers: ClinVar variation 2945749 (VCV002945749.3), dbSNP rs773065672, ClinGen allele CA1131572.
Genomic context (GRCh38, chr1:154,601,420, plus strand): 5'-CTGGTCTGGCCTCTTGCCTGTTTTCTAACTTTATGACAGGTTCCTGCCCATTCTCCACTT[T>C]TTCTGTGGTTACCATGTTATTTGAGGCATTTGATGTGGGTATATTACAGGTGAGGAACTC-3'
Protein context (NP_001102.3, residues 398-418): NASNNMVTTE[Lys408Glu]VENGQEPVIK